The following is an entry in ClinVar:

ClinVar aggregate classification (germline): Conflicting classifications of pathogenicity. Review status: criteria provided, conflicting classifications (1 of 4 stars). 5 submissions from 5 submitters: Uncertain significance (2); Likely benign (3). Last evaluated 2025-08-11.

Conditions:
Genitopatellar syndrome (GTPTS). Also called: ABSENT PATELLAE, SCROTAL HYPOPLASIA, RENAL ANOMALIES, FACIAL DYSMORPHISM, AND MENTAL RETARDATION; Genitopatellar syndrome (GPS). Identifiers: Orphanet 85201, MedGen C1853566, MONDO:0011640, OMIM 606170.
Inborn genetic diseases. Identifiers: MedGen C0950123, MeSH D030342.

Allele frequency attached by ClinVar (database versions not stated): gnomAD exomes 0.00002 and 0.00003; TOPMed 0.00002; ExAC 0.00003; gnomAD 0.00004; ESP Exome Variant Server 0.00015; 1000 Genomes Project 30x 0.00016; 1000 Genomes Project 0.00020.
gnomAD v4.1: 58 of 1,614,220 alleles (0.0036%); highest among the groups gnomAD compares: African/African-American, 0.0053%; no homozygotes.

Submissions (5):

Labcorp Genetics (formerly Invitae), Labcorp
Classification: Uncertain significance for Genitopatellar syndrome. Last evaluated: 2025-08-11. Review status: criteria provided, single submitter. Criteria: Invitae Variant Classification Sherloc (09022015). Collection method: clinical testing. Allele origin: germline.
Comment: This sequence change replaces histidine, which is basic and polar, with tyrosine, which is neutral and polar, at codon 600 of the KAT6B protein (p.His600Tyr). This variant is present in population databases (rs187153114, gnomAD 0.01%). This variant has not been reported in the literature in individuals affected with KAT6B-related conditions. ClinVar contains an entry for this variant (Variation ID: 260233). An algorithm developed to predict the effect of missense changes on protein structure and function (PolyPhen-2) suggests that this variant is likely to be tolerated. In summary, the available evidence is currently insufficient to determine the role of this variant in disease. Therefore, it has been classified as a Variant of Uncertain Significance.

Women's Health and Genetics/Laboratory Corporation of America, LabCorp
Classification: Uncertain significance. Last evaluated: 2025-06-13. Review status: criteria provided, single submitter. Criteria: LabCorp Variant Classification Summary - May 2015. Collection method: clinical testing. Allele origin: germline.
Comment: Variant summary: KAT6B c.1798C>T (p.His600Tyr) results in a conservative amino acid change in the encoded protein sequence. Algorithms developed to predict the effect of missense changes on protein structure and function are either unavailable or do not agree on the potential impact of this missense change. The variant allele was found at a frequency of 2.4e-05 in 251292 control chromosomes (gnomAD). The available data on variant occurrences in the general population are insufficient to allow any conclusion about variant significance. To our knowledge, no occurrence of c.1798C>T in individuals affected with KAT6B-Related Spectrum Disorders and no experimental evidence demonstrating its impact on protein function have been reported. ClinVar contains an entry for this variant (Variation ID: 260233). Based on the evidence outlined above, the variant was classified as uncertain significance.

Ambry Genetics
Classification: Likely benign for Inborn genetic diseases. Last evaluated: 2021-07-19. Review status: criteria provided, single submitter. Criteria: Ambry Variant Classification Scheme 2023. Collection method: clinical testing. Allele origin: germline.

GeneDx
Classification: Likely benign. Last evaluated: 2020-12-04. Review status: criteria provided, single submitter. Criteria: GeneDx Variant Classification Process June 2021. Collection method: clinical testing. Allele origin: germline. Affected: yes.

PreventionGenetics, part of Exact Sciences
Classification: Likely benign. Review status: criteria provided, single submitter. Criteria: ACMG Guidelines, 2015. Collection method: clinical testing. Allele origin: germline.

NM_012330.4(KAT6B):c.1798C>T (p.His600Tyr)

Gene: KAT6B (lysine acetyltransferase 6B; plus strand). Cytogenetic location: 10q22.2.
Variant type: single nucleotide variant.
Coding change: c.1798C>T on transcript NM_012330.4 (MANE Select); coding-DNA position 1798, C replaced by T.
Protein change: p.His600Tyr; replaces histidine 600 with tyrosine.
Molecular consequence: missense variant. On other transcripts: intron variant (13).
Genome position (GRCh38, 1-based): chr10:74,976,135, C>T. VCF-style: chr10-74976135-C-T. GRCh37 (hg19) VCF-style: chr10-76735893-C-T.
Other names: c.1798C>T, p.His600Tyr (NM_001370136.1, NM_001370137.1); c.1117+681C>T (NM_001370139.1, NM_001370140.1, NM_001370141.1 and 3 more transcripts); c.1444+354C>T (NM_001370138.1, NM_001256468.2); c.846+6360C>T (NM_001370133.1); c.193-3089C>T (NM_001370134.1); c.929-1181C>T (NM_001370143.1, NM_001370144.1); c.193-12884C>T (NM_001370135.1); c.1798C>T (NM_012330.2); short protein forms H600Y.
Identifiers: ClinVar variation 260233 (VCV000260233.12), dbSNP rs187153114, ClinGen allele CA5564475.